The following is an entry in ClinVar:

ClinVar aggregate classification (germline): Likely benign (0 of 4 stars; one submission).

Conditions:
UCP3-related disorder. Also called: UCP3-related condition.

gnomAD v4.1: 1 of 1,614,096 alleles (0.000062%); no homozygotes.

Submission:

PreventionGenetics, part of Exact Sciences
Classification: Likely benign for UCP3-related condition. Last evaluated: 2024-01-29. Review status: no assertion criteria provided. Collection method: clinical testing. Allele origin: germline.
Comment: This variant is classified as likely benign based on ACMG/AMP sequence variant interpretation guidelines (Richards et al. 2015 PMID: 25741868, with internal and published modifications).

NM_003356.4(UCP3):c.732G>A (p.Arg244=)

Gene: UCP3 (uncoupling protein 3; minus strand). Cytogenetic location: 11q13.4.
Variant type: single nucleotide variant.
Coding change: c.732G>A on transcript NM_003356.4 (MANE Select); coding-DNA position 732, G replaced by A.
Protein change: p.Arg244=; no amino-acid change (arginine 244 retained).
Molecular consequence: synonymous variant.
Genome position (GRCh38, 1-based): chr11:74,003,919, C>T on the plus strand (G>A on the coding strand, the complement: UCP3 is on the minus strand). VCF-style: chr11-74003919-C-T. GRCh37 (hg19) VCF-style: chr11-73714964-C-T.
Other names: c.732G>A, p.Arg244= (NM_022803.3).
Identifiers: ClinVar variation 3349600 (VCV003349600.1).
Genomic context (GRCh38, chr11:74,003,919, plus strand): 5'-CACCATCTTTATCATACAGTCGAGGGGGCTGAAGTACTGGCCTGGAGGTGAGTTCATATA[C>T]CGGGTCTTCACCACGTCCACCGGGGAGGCCACCACTGTGGCACAGAAGCCGGCTCCAAAG-3'
Protein context (NP_003347.1, residues 234-254): VASPVDVVKT[Arg244=]YMNSPPGQYF